The following is an entry in ClinVar:

ClinVar aggregate classification (germline): Uncertain significance (1 of 4 stars; one submission).

Conditions:
Primary ciliary dyskinesia. Also called: Ciliary dyskinesia. Identifiers: Orphanet 244, MedGen C0008780, MONDO:0016575, HP:0012265.

Submission:

Labcorp Genetics (formerly Invitae), Labcorp
Classification: Uncertain significance for Primary ciliary dyskinesia. Last evaluated: 2022-07-15. Review status: criteria provided, single submitter. Criteria: Invitae Variant Classification Sherloc (09022015). Collection method: clinical testing. Allele origin: germline.
Comment: This sequence change replaces arginine, which is basic and polar, with leucine, which is neutral and non-polar, at codon 570 of the CCDC39 protein (p.Arg570Leu). This variant is not present in population databases (gnomAD no frequency). This variant has not been reported in the literature in individuals affected with CCDC39-related conditions. Algorithms developed to predict the effect of missense changes on protein structure and function are either unavailable or do not agree on the potential impact of this missense change (SIFT: "Tolerated"; PolyPhen-2: "Probably Damaging"; Align-GVGD: "Class C0"). In summary, the available evidence is currently insufficient to determine the role of this variant in disease. Therefore, it has been classified as a Variant of Uncertain Significance.

NM_181426.2(CCDC39):c.1709G>T (p.Arg570Leu)

Gene: CCDC39 (coiled-coil domain 39 molecular ruler complex subunit; minus strand). Cytogenetic location: 3q26.33.
Variant type: single nucleotide variant.
Coding change: c.1709G>T on transcript NM_181426.2 (MANE Select); coding-DNA position 1709, G replaced by T.
Protein change: p.Arg570Leu; replaces arginine 570 with leucine.
Molecular consequence: missense variant.
Genome position (GRCh38, 1-based): chr3:180,642,158, C>A on the plus strand (G>T on the coding strand, the complement: CCDC39 is on the minus strand). VCF-style: chr3-180642158-C-A. GRCh37 (hg19) VCF-style: chr3-180359946-C-A.
Other names: short protein forms R570L.
Identifiers: ClinVar variation 1946441 (VCV001946441.2), dbSNP rs369208682, ClinGen allele CA355309173.